The following is an entry in ClinVar:

ClinVar aggregate classification (germline): Uncertain significance. Review status: criteria provided, multiple submitters, no conflicts (2 of 4 stars). 2 submissions from 2 submitters: Uncertain significance (2). Last evaluated 2025-03-10.

Conditions:
Inborn genetic diseases. Identifiers: MedGen C0950123, MeSH D030342.

Submissions (2):

Ambry Genetics
Classification: Uncertain significance for Inborn genetic diseases. Last evaluated: 2025-03-10. Review status: criteria provided, single submitter. Criteria: Ambry Variant Classification Scheme 2023. Collection method: clinical testing. Allele origin: germline.

GeneDx
Classification: Uncertain significance. Last evaluated: 2023-05-05. Review status: criteria provided, single submitter. Criteria: GeneDx Variant Classification Process June 2021. Collection method: clinical testing. Allele origin: germline. Affected: yes.
Comment: Not observed at significant frequency in large population cohorts (gnomAD); In silico analysis supports that this missense variant has a deleterious effect on protein structure/function; Has not been previously published as pathogenic or benign to our knowledge

NM_032590.5(KDM2B):c.2226C>A (p.Asn742Lys)

Gene: KDM2B (lysine demethylase 2B; minus strand). Cytogenetic location: 12q24.31.
Variant type: single nucleotide variant.
Coding change: c.2226C>A on transcript NM_032590.5 (MANE Select); coding-DNA position 2226, C replaced by A.
Protein change: p.Asn742Lys; replaces asparagine 742 with lysine.
Molecular consequence: missense variant.
Genome position (GRCh38, 1-based): chr12:121,444,237, G>T on the plus strand (C>A on the coding strand, the complement: KDM2B is on the minus strand). VCF-style: chr12-121444237-G-T. GRCh37 (hg19) VCF-style: chr12-121882040-G-T.
Other names: c.2133C>A, p.Asn711Lys (NM_001005366.2); short protein forms N711K, N742K.
Identifiers: ClinVar variation 3343292 (VCV003343292.2).